The following is an entry in ClinVar:

ClinVar aggregate classification (germline): Uncertain significance (3 of 4 stars; one submission).

Conditions:
Monogenic diabetes. Identifiers: Orphanet 183625, MedGen C3888631, MONDO:0015967.

Submission:

ClinGen Monogenic Diabetes Variant Curation Expert Panel
Classification: Uncertain significance for Monogenic diabetes. Last evaluated: 2025-01-29. Review status: reviewed by expert panel. Criteria: ClinGen Diabetes ACMG Specifications HNF4A V2.0.0. Collection method: curation. Allele origin: germline. Inheritance: Autosomal dominant inheritance.
Comment: The c.928G>A variant in the hepatocyte nuclear factor 4-alpha gene, HNF4A, causes an amino acid change of glycine to serine at codon 310 (p.(Gly310Ser)) of NM_175914.5. This variant is located within the ligand-binding domain (codons 180-220 and 300-350) of HNF4A, which is defined as critical for the protein’s function by the ClinGen MDEP (PM1_Supporting). This variant is predicted to be deleterious by computational evidence, with a REVEL score of 0.785, which is greater than the MDEP VCEP threshold of 0.70 (PP3). This variant is absent from gnomAD v2.1.1 (PM2_Supporting). In summary, c.928G>A meets the criteria to be classified as a variant of uncertain significance for monogenic diabetes. ACMG/AMP criteria applied, as specified by the ClinGen MDEP (specification version 2.0.0 approved 10/11/2023): PP4_Moderate, PP3, PM1_Supporting, PM2_Supporting.

NM_175914.5(HNF4A):c.928G>A (p.Gly310Ser)

Gene: HNF4A (hepatocyte nuclear factor 4 alpha; plus strand). Cytogenetic location: 20q13.12.
Variant type: single nucleotide variant.
Coding change: c.928G>A on transcript NM_175914.5 (MANE Select); coding-DNA position 928, G replaced by A.
Protein change: p.Gly310Ser; replaces glycine 310 with serine.
Molecular consequence: missense variant.
Genome position (GRCh38, 1-based): chr20:44,424,119, G>A. VCF-style: chr20-44424119-G-A. GRCh37 (hg19) VCF-style: chr20-43052759-G-A.
Other names: NM_175914.5:c.928G>A; c.994G>A, p.Gly332Ser (NM_000457.6, NM_178849.3, NM_178850.3); c.928G>A, p.Gly310Ser (NM_001030003.3, NM_001030004.3); c.973G>A, p.Gly325Ser (NM_001258355.2); c.919G>A, p.Gly307Ser (NM_001287182.2, NM_001287183.2, NM_001287184.2); short protein forms G307S, G310S, G325S, G332S.
Identifiers: ClinVar variation 3602121 (VCV003602121.1).